The following is an entry in ClinVar:

ClinVar aggregate classification (germline): Uncertain significance (1 of 4 stars; one submission).

Conditions:
Familial hemiplegic migraine. Identifiers: MedGen C0338484, MONDO:0000700.
Alternating hemiplegia of childhood 1 (AHC1). Identifiers: Orphanet 2131, MedGen C3549447, MONDO:0007087, OMIM 104290.
Developmental and epileptic encephalopathy, 1 (DEE1). Also called: X-linked infantile spasms; West's syndrome; Tonic spasms with clustering, arrest of psychomotor development and hypsarrhythmia on EEG; X-Linked Infantile Spasm Syndrome; OHTAHARA SYNDROME, X-LINKED; INFANTILE SPASM SYNDROME, X-LINKED 1. Identifiers: MedGen C3463992, MONDO:0010632, OMIM 308350. Disease mechanism: loss of function.
Migraine, familial hemiplegic, 2. Identifiers: Orphanet 569, MedGen C1865322, MONDO:0011232, OMIM 602481.

Submission:

Labcorp Genetics (formerly Invitae), Labcorp
Classification: Uncertain significance for Familial hemiplegic migraine. Last evaluated: 2022-03-21. Review status: criteria provided, single submitter. Criteria: Invitae Variant Classification Sherloc (09022015). Collection method: clinical testing. Allele origin: germline.
Comment: This sequence change replaces asparagine, which is neutral and polar, with histidine, which is basic and polar, at codon 948 of the ATP1A2 protein (p.Asn948His). In summary, the available evidence is currently insufficient to determine the role of this variant in disease. Therefore, it has been classified as a Variant of Uncertain Significance. Algorithms developed to predict the effect of missense changes on protein structure and function (SIFT, PolyPhen-2, Align-GVGD) all suggest that this variant is likely to be disruptive. This variant has not been reported in the literature in individuals affected with ATP1A2-related conditions. This variant is not present in population databases (gnomAD no frequency).

NM_000702.4(ATP1A2):c.2842A>C (p.Asn948His)

Gene: ATP1A2 (ATPase Na+/K+ transporting subunit alpha 2; plus strand). Cytogenetic location: 1q23.2.
Variant type: single nucleotide variant.
Coding change: c.2842A>C on transcript NM_000702.4 (MANE Select); coding-DNA position 2842, A replaced by C.
Protein change: p.Asn948His; replaces asparagine 948 with histidine.
Molecular consequence: missense variant.
Genome position (GRCh38, 1-based): chr1:160,139,641, A>C. VCF-style: chr1-160139641-A-C. GRCh37 (hg19) VCF-style: chr1-160109431-A-C.
Other names: short protein forms N948H.
Identifiers: ClinVar variation 2115573 (VCV002115573.5), dbSNP rs2524898203, ClinGen allele CA343254809.
Genomic context (GRCh38, chr1:160,139,641, plus strand): 5'-CCAGGATCTCTGCCTCCATGATCCCCCTTCACCTGCCACCTCCTTTCTTTGCCTTTCAGG[A>C]ACAAGATCCTGATTTTTGGGCTCCTGGAGGAGACGGCGTTGGCTGCCTTTCTCTCTTACT-3'
Protein context (NP_000693.1, residues 938-958): RNSVFQQGMK[Asn948His]KILIFGLLEE